The following is an entry in ClinVar:

NM_024120.5(NDUFAF5):c.178G>A (p.Ala60Thr)

Genes: NDUFAF5 (NADH:ubiquinone oxidoreductase complex assembly factor 5; plus strand), LOC130065433 (ATAC-STARR-seq lymphoblastoid active region 17552; plus strand). Cytogenetic location: 20p12.1.
Variant type: single nucleotide variant.
Coding change: c.178G>A on transcript NM_024120.5 (MANE Select); coding-DNA position 178, G replaced by A.
Protein change: p.Ala60Thr; replaces alanine 60 with threonine.
Molecular consequence: missense variant. On other transcripts: 5 prime UTR variant (3), non-coding transcript variant (7).
Genome position (GRCh38, 1-based): chr20:13,785,246, G>A. VCF-style: chr20-13785246-G-A. GRCh37 (hg19) VCF-style: chr20-13765892-G-A.
Other names: p.A60T:GCC>ACC; c.178G>A, p.Ala60Thr (NM_001039375.3, NM_001352408.2); c.-190G>A (NM_001352403.2); c.-404G>A (NM_001352406.2); c.-518G>A (NM_001352407.2); short protein forms A60T.
Identifiers: ClinVar variation 214202 (VCV000214202.7), dbSNP rs146837138, ClinGen allele CA322012.

ClinVar aggregate classification (germline): Uncertain significance. Review status: criteria provided, multiple submitters, no conflicts (2 of 4 stars). 4 submissions from 4 submitters: Uncertain significance (3). 1 of the submissions does not count toward it. Last evaluated 2024-05-07.

Conditions:
Mitochondrial complex I deficiency, nuclear type 1. Also called: NADH-COENZYME Q REDUCTASE DEFICIENCY; MITOCHONDRIAL NADH DEHYDROGENASE COMPONENT OF COMPLEX I, DEFICIENCY OF. Identifiers: MedGen C6022305, MONDO:0100224, OMIM 252010.
Mitochondrial complex I deficiency. Also called: NADH:Q(1) OXIDOREDUCTASE DEFICIENCY. Identifiers: Orphanet 2609, MedGen C1838979, MeSH C537475, MONDO:0100133.

Allele frequency attached by ClinVar (database versions not stated): ExAC 0.00016; gnomAD exomes 0.00018 and 0.00046; ESP Exome Variant Server 0.00023; TOPMed 0.00032; gnomAD 0.00034 and 0.00036.
gnomAD v4.1: 747 of 1,613,100 alleles (0.046%); highest among the groups gnomAD compares: Non-Finnish European, 0.058%; no homozygotes.

Submissions (4):

Blueprint Genetics
Classification: Uncertain significance. Last evaluated: 2024-05-07. Review status: criteria provided, single submitter. Criteria: ACMG Guidelines, 2015. Collection method: clinical testing. Allele origin: germline.

GeneDx
Classification: Uncertain significance. Last evaluated: 2022-01-24. Review status: criteria provided, single submitter. Criteria: GeneDx Variant Classification Process June 2021. Collection method: clinical testing. Allele origin: germline. Affected: yes.
Comment: In silico analysis supports that this missense variant has a deleterious effect on protein structure/function; Has not been previously published as pathogenic or benign to our knowledge

Fulgent Genetics
Classification: Uncertain significance for Mitochondrial complex I deficiency, nuclear type 1. Last evaluated: 2018-10-31. Review status: criteria provided, single submitter. Criteria: ACMG Guidelines, 2015. Collection method: clinical testing. Allele origin: unknown.

Natera, Inc.
Classification: Uncertain significance for Mitochondrial complex I deficiency. Last evaluated: 2020-01-17. Review status: no assertion criteria provided. Collection method: clinical testing. Allele origin: germline. Not counted in ClinVar's aggregate classification.